The following is an entry in ClinVar:

NM_000169.3(GLA):c.997C>T (p.Gln333Ter)

Genes: GLA (galactosidase alpha; minus strand), RPL36A-HNRNPH2 (RPL36A-HNRNPH2 readthrough; plus strand). Cytogenetic location: Xq22.1.
Variant type: single nucleotide variant.
Coding change: c.997C>T on transcript NM_000169.3 (MANE Select); coding-DNA position 997, C replaced by T.
Protein change: p.Gln333Ter; replaces glutamine 333 with a stop codon.
Molecular consequence: nonsense. On other transcripts: non-coding transcript variant (3), intron variant (2).
Genome position (GRCh38, 1-based): chrX:101,398,372, G>A on the plus strand (C>T on the coding strand, the complement: GLA is on the minus strand). VCF-style: chrX-101398372-G-A. GRCh37 (hg19) VCF-style: chrX-100653360-G-A.
Other names: c.1120C>T, p.Gln374Ter (NM_001406747.1); c.997C>T, p.Gln333Ter (NM_001406748.1); c.300+2915G>A (NM_001199973.2); c.177+6550G>A (NM_001199974.2); short protein forms Q333*, Q374*.
Identifiers: ClinVar variation 1323005 (VCV001323005.6), dbSNP rs2147471760, ClinGen allele CA413921275.

ClinVar aggregate classification (germline): Pathogenic. Review status: criteria provided, multiple submitters, no conflicts (2 of 4 stars). 2 submissions from 2 submitters: Pathogenic (2). Last evaluated 2026-09-08.

Conditions:
Fabry disease. Also called: Ceramide trihexosidosis; GLA DEFICIENCY; HEREDITARY DYSTOPIC LIPIDOSIS; Angiokeratoma corporis diffusum; Fabry's disease; ALPHA-GALACTOSIDASE A DEFICIENCY. Identifiers: Orphanet 324, MedGen C0002986, MONDO:0010526, OMIM 301500, HP:0001071. Disease mechanism: Fabry disease is due to inactivating mutations in the X-linked GLA gene resulting in deficiency of the enzyme Alpha Galactosidase-A., loss of function.

Submissions (2):

Genomenon, Inc
Classification: Pathogenic for Fabry disease. Last evaluated: 2026-09-08. Review status: criteria provided, single submitter. Criteria: Genomenon Sequence Variant Interpretation Standards - Updated. Collection method: curation. Allele origin: germline. Affected: yes.
Comment: GLA p.Gln333Ter (c.997C>T) is a nonsense variant that introduces a premature stop codon at amino acid position 333 and is predicted to result in a truncated or absent protein product. This variant has been observed in at least one proband with clinical features consistent with Fabry disease (PMID:12778775;34440358). The variant was found to segregate with disease in at least one affected family (PMID:12778775). At least one functional study has demonstrated a substantial alteration in protein function relative to the wild-type (PMID:31613176). It is absent or not present at a significant frequency in gnomAD. In conclusion, we classify GLA p.Gln333Ter (c.997C>T) as a pathogenic variant.

Revvity Omics, Revvity
Classification: Pathogenic. Last evaluated: 2019-10-30. Review status: criteria provided, single submitter. Criteria: ACMG Guidelines, 2015. Collection method: clinical testing. Allele origin: germline.

Literature cited by the submitters: PubMed 12778775 (cited by Genomenon, Inc); PubMed 34440358 (cited by Genomenon, Inc); PubMed 31613176 (cited by Genomenon, Inc).